The following is an entry in ClinVar:

ClinVar aggregate classification (germline): Likely pathogenic (1 of 4 stars; one submission).

gnomAD v4.1: 1 of 1,396,284 alleles (0.000072%); highest among the groups gnomAD compares: Non-Finnish European, 0.000093%; no homozygotes.

Submission:

Labcorp Genetics (formerly Invitae), Labcorp
Classification: Likely pathogenic. Last evaluated: 2023-04-28. Review status: criteria provided, single submitter. Criteria: Invitae Variant Classification Sherloc (09022015). Collection method: clinical testing. Allele origin: germline.
Comment: This variant has not been reported in the literature in individuals affected with TULP1-related conditions. In summary, the currently available evidence indicates that the variant is pathogenic, but additional data are needed to prove that conclusively. Therefore, this variant has been classified as Likely Pathogenic. Algorithms developed to predict the effect of sequence changes on RNA splicing suggest that this variant may disrupt the consensus splice site. This variant is not present in population databases (gnomAD no frequency). This sequence change affects an acceptor splice site in intron 2 of the TULP1 gene. It is expected to disrupt RNA splicing. Variants that disrupt the donor or acceptor splice site typically lead to a loss of protein function (PMID: 16199547), and loss-of-function variants in TULP1 are known to be pathogenic (PMID: 8606774, 10549638, 15024725, 18055821).

Literature cited by the submitters: PubMed 16199547; PubMed 8606774; PubMed 10549638; PubMed 15024725; PubMed 18055821.

NM_003322.6(TULP1):c.100-1G>T

Gene: TULP1 (TUB like protein 1; minus strand). Cytogenetic location: 6p21.31.
Variant type: single nucleotide variant.
Coding change: c.100-1G>T on transcript NM_003322.6 (MANE Select); the canonical splice acceptor site of the intron before coding-DNA position 100, G replaced by T.
Molecular consequence: splice acceptor variant.
Genome position (GRCh38, 1-based): chr6:35,512,271, C>A on the plus strand (G>T on the coding strand, the complement: TULP1 is on the minus strand). VCF-style: chr6-35512271-C-A. GRCh37 (hg19) VCF-style: chr6-35480048-C-A.
Other names: c.100-1G>T (NM_001289395.2).
Identifiers: ClinVar variation 2859998 (VCV002859998.3), dbSNP rs1323138654, ClinGen allele CA363785177.
Genomic context (GRCh38, chr6:35,512,271, plus strand): 5'-GCAGGGGGATTCGGGGGCCTCCGTCCTCTTCTTCCTTAGCCTCTGTGCCGGGGCGGGTCG[C>A]TGCGGAACGGGGGTCAAGAGGAGGTCGAGGAAGGAAAGGGGGGCGCTGAGGCCCGCCCAT-3'